The following is an entry in ClinVar:

NM_001379291.1(BRD4):c.3415A>G (p.Ser1139Gly)

Gene: BRD4 (bromodomain containing 4; minus strand). Cytogenetic location: 19p13.12.
Variant type: single nucleotide variant.
Coding change: c.3415A>G on transcript NM_001379291.1 (MANE Select); coding-DNA position 3415, A replaced by G.
Protein change: p.Ser1139Gly; replaces serine 1139 with glycine.
Molecular consequence: missense variant.
Genome position (GRCh38, 1-based): chr19:15,239,689, T>C on the plus strand (A>G on the coding strand, the complement: BRD4 is on the minus strand). VCF-style: chr19-15239689-T-C. GRCh37 (hg19) VCF-style: chr19-15350500-T-C.
Other names: c.3415A>G, p.Ser1139Gly (NM_058243.3); short protein forms S1139G.
Identifiers: ClinVar variation 3725927 (VCV003725927.2).
Genomic context (GRCh38, chr19:15,239,689, plus strand): 5'-GCCCTGGCTGTGGGCAGGGAGAGCACTCACGCTGGGGCAGGTGGACGGGGGCCTTGATGC[T>C]CTCCGGGTGCTTGGGGGGCTCCGGCCGCAGCGAGGGGCTGAAGGGCTCGCTGCGGATGAT-3'
Protein context (NP_001366220.1, residues 1129-1149): LRPEPPKHPE[Ser1139Gly]IKAPVHLPQR

ClinVar aggregate classification (germline): Uncertain significance (1 of 4 stars; one submission).

Submission:

Labcorp Genetics (formerly Invitae), Labcorp
Classification: Uncertain significance. Last evaluated: 2024-11-24. Review status: criteria provided, single submitter. Criteria: Invitae Variant Classification Sherloc (09022015). Collection method: clinical testing. Allele origin: germline.
Comment: This sequence change replaces serine, which is neutral and polar, with glycine, which is neutral and non-polar, at codon 1139 of the BRD4 protein (p.Ser1139Gly). This variant is not present in population databases (gnomAD no frequency). This variant has not been reported in the literature in individuals affected with BRD4-related conditions. An algorithm developed to predict the effect of missense changes on protein structure and function (PolyPhen-2) suggests that this variant is likely to be tolerated. In summary, the available evidence is currently insufficient to determine the role of this variant in disease. Therefore, it has been classified as a Variant of Uncertain Significance.